The following is an entry in ClinVar:

ClinVar aggregate classification (germline): Uncertain significance (1 of 4 stars; one submission).

Allele frequency attached by ClinVar (database versions not stated): ExAC 0.00002; TOPMed 0.00003; gnomAD 0.00005.
gnomAD v4.1: 40 of 1,614,068 alleles (0.0025%); highest among the groups gnomAD compares: African/African-American, 0.004%; no homozygotes.

Submission:

Labcorp Genetics (formerly Invitae), Labcorp
Classification: Uncertain significance. Last evaluated: 2025-11-22. Review status: criteria provided, single submitter. Criteria: Invitae Variant Classification Sherloc (09022015). Collection method: clinical testing. Allele origin: germline.
Comment: This sequence change replaces histidine, which is basic and polar, with arginine, which is basic and polar, at codon 949 of the TET2 protein (p.His949Arg). This variant is present in population databases (rs778464072, gnomAD 0.004%). This variant has not been reported in the literature in individuals affected with TET2-related conditions. ClinVar contains an entry for this variant (Variation ID: 1983088). An algorithm developed to predict the effect of missense changes on protein structure and function (PolyPhen-2) suggests that this variant is likely to be disruptive. In summary, the available evidence is currently insufficient to determine the role of this variant in disease. Therefore, it has been classified as a Variant of Uncertain Significance.

NM_001127208.3(TET2):c.2846A>G (p.His949Arg)

Genes: TET2 (tet methylcytosine dioxygenase 2; plus strand), TET2-AS1 (TET2 antisense RNA 1; minus strand). Cytogenetic location: 4q24.
Variant type: single nucleotide variant.
Coding change: c.2846A>G on transcript NM_001127208.3 (MANE Select); coding-DNA position 2846, A replaced by G.
Protein change: p.His949Arg; replaces histidine 949 with arginine.
Molecular consequence: missense variant.
Genome position (GRCh38, 1-based): chr4:105,236,788, A>G. VCF-style: chr4-105236788-A-G. GRCh37 (hg19) VCF-style: chr4-106157945-A-G.
Other names: c.2846A>G, p.His949Arg (NM_017628.4); short protein forms H949R.
Identifiers: ClinVar variation 1983088 (VCV001983088.3), dbSNP rs778464072, ClinGen allele CA3031965.
Genomic context (GRCh38, chr4:105,236,788, plus strand): 5'-CTGTGCCTGACCAGGGAGGAAGTCACACTCAGACCCCTCCCCAGAAGGACACTCAAAAGC[A>G]TGCTGCTCTAAGGTGGCATCTCTTACAGAAGCAAGAACAGCAGCAAACACAGCAACCCCA-3'
Protein context (NP_001120680.1, residues 939-959): QTPPQKDTQK[His949Arg]AALRWHLLQK